The following is an entry in ClinVar:

NM_000435.3(NOTCH3):c.1364G>T (p.Cys455Phe)

Gene: NOTCH3 (notch receptor 3; minus strand). Cytogenetic location: 19p13.12.
Variant type: single nucleotide variant.
Coding change: c.1364G>T on transcript NM_000435.3 (MANE Select); coding-DNA position 1364, G replaced by T.
Protein change: p.Cys455Phe; replaces cysteine 455 with phenylalanine.
Molecular consequence: missense variant.
Genome position (GRCh38, 1-based): chr19:15,189,003, C>A on the plus strand (G>T on the coding strand, the complement: NOTCH3 is on the minus strand). VCF-style: chr19-15189003-C-A. GRCh37 (hg19) VCF-style: chr19-15299814-C-A.
Other names: short protein forms C455F.
Identifiers: ClinVar variation 280277 (VCV000280277.3), dbSNP rs886041513, ClinGen allele CA10603630.

ClinVar aggregate classification (germline): Pathogenic. Review status: criteria provided, multiple submitters, no conflicts (2 of 4 stars). 2 submissions from 2 submitters: Pathogenic (2). Last evaluated 2026-01-14.

Conditions:
Cerebral arteriopathy, autosomal dominant, with subcortical infarcts and leukoencephalopathy, type 1 (CADASIL1). Also called: DEMENTIA, HEREDITARY MULTIINFARCT TYPE; CADASIL 1; CASIL; Cerebral arteriopathy with subcortical infarcts and leukoencephalopathy 1. Identifiers: Orphanet 136, MedGen C4551768, MONDO:0000914, OMIM 125310.

Submissions (2):

Genetics Laboratory, Great Ormond Street Hospital NHS Foundation Trust, North Thames Genomic Laboratory Hub
Classification: Pathogenic for CADASIL. Last evaluated: 2026-01-14. Review status: criteria provided, single submitter. Criteria: ACGS Best Practice Guidelines for Variant Classification in Rare Disease 2024 v1.2. Collection method: clinical testing. Allele origin: germline. Affected: yes.
Comment: PM2_moderate, PP3_supporting, PM5_moderate, PM1_strong, PP2_supporting

GeneDx
Classification: Pathogenic. Last evaluated: 2016-01-21. Review status: criteria provided, single submitter. Criteria: GeneDx Variant Classification (06012015). Collection method: clinical testing. Allele origin: germline. Affected: yes.
Comment: The C445F pathogenic variant in the NOTCH3 gene has not been reported previously as a pathogenic variant nor as a benign variant, to our knowledge. The C445F variant was not observed in approximately 6,500 individuals of European and African American ancestry in the NHLBI Exome Sequencing Project, indicating it is not a common benign variant in these populations. The C445F variant is a non-conservative amino acid substitution, which is likely to impact secondary protein structure as these residues differ in polarity, charge, size and/or other properties. This substitution occurs at a position that is conserved across species. In silico analysis predicts this variant is probably damaging to the protein structure/function. Missense variants in the same and nearby residues (C455R, C455Y, C457S) have been reported in the Human Gene Mutation Database in association with CADASIL (Stenson et al., 2014), supporting the functional importance of this region of the protein. We interpret C445F as a pathogenic variant.